The following is an entry in ClinVar:

ClinVar aggregate classification (germline): Pathogenic. Review status: reviewed by expert panel (3 of 4 stars). 18 submissions from 17 submitters: Pathogenic (1). 17 of the submissions do not count toward it. Last evaluated 2025-01-30.

Conditions:
GUCY2D-related disorder. Also called: GUCY2D-related condition.
Night blindness, congenital stationary, type1i. Also called: NIGHT BLINDNESS, CONGENITAL STATIONARY, TYPE 1I. Identifiers: MedGen C5231408, MONDO:0032811, OMIM 618555.
GUCY2D-related disorders.
Choroidal dystrophy, central areolar, 1. Identifiers: Orphanet 75377, MedGen C4551884, MONDO:0024539, OMIM 215500.
Leber congenital amaurosis 1 (LCA1). Also called: RETINAL BLINDNESS, CONGENITAL; Congenital absence of the rods and cones; Leber's congenital tapetoretinal degeneration; Leber's congenital tapetoretinal dysplasia; AMAUROSIS CONGENITA OF LEBER I. Identifiers: Orphanet 65, MedGen C2931258, MONDO:0008764, OMIM 204000.
Cone-rod dystrophy 6 (CORD6). Also called: RETINAL CONE DYSTROPHY 2; Cone dystrophy progressive. Identifiers: Orphanet 1872, MedGen C1866293, MONDO:0011143, OMIM 601777.
GUCY2D-related recessive retinopathy. Also called: Recessive GUCY2D retinopathy. Identifiers: MedGen CN305603, MONDO:0100453.
Retinal dystrophy. Also called: Inherited retinal dystrophy. Identifiers: Orphanet 71862, MedGen C0854723, MeSH D058499, MONDO:0019118, HP:0000556.
Leber congenital amaurosis (LCA). Also called: Leber's amaurosis. Identifiers: Orphanet 65, MedGen C0339527, MeSH D057130, MONDO:0018998.

Allele frequency attached by ClinVar (database versions not stated): TOPMed 0.00012; ESP Exome Variant Server 0.00015; gnomAD 0.00017 and 0.00019.
gnomAD v4.1: 440 of 1,612,990 alleles (0.027%); highest among the groups gnomAD compares: Non-Finnish European, 0.036%; 1 homozygote.

Submissions 1 to 7 of 18:

ClinGen Leber Congenital Amaurosis/early Onset Retinal Dystrophy Variant Curation Expert Panel, ClinGen
Classification: Pathogenic for GUCY2D-related recessive retinopathy. Last evaluated: 2025-01-30. Review status: reviewed by expert panel. Criteria: ClinGen LCAeoRD ACMG Specifications GUCY2D V1.0.0. Collection method: curation. Allele origin: germline. Inheritance: Autosomal recessive inheritance.
Comment: NM_000180.4(GUCY2D):c.2302C>T is a missense variant predicted to replace arginine with tryptophan at position p.768. This variant is present in gnomAD v.4.1.0 at a total allele frequency of 0.0002728, with 440 alleles / 1,612,990 total alleles, which is lower than the ClinGen LCA/eoRD VCEP PM2_Supporting threshold of <0.0004 (PM2_Supporting). This variant has been reported in at least 2 unrelated probands with early-onset severe retinal dystrophy who were homozygous for the variant (1 point, PMID: 23035049) and in at least 6 probands with early-onset severe retinal dystrophy who were compound heterozygous, including 2 with either the NM_000180.4(GUCY2D):c.2516del (p.Thr839fs) or NM_000180.4(GUCY2D):c.1633C>T (p.Gln545Ter) variants suspected in trans (1 point, PMID: 23035049, PMID: 16505055), both of which have been previously classified as pathogenic by the ClinGen LCA/eoRD VCEP (2 total points, PM3_Strong). At least one proband harboring this variant exhibits a phenotype including diagnosis of Leber congenital amaurosis (0.5 pts) with onset at 3 months (1 pt), night blindness (0.5 pts), nystagmus (1 pt), and visual acuity limited to light perception (1 pt), which together are specific for GUCYD2-related recessive retinopathy (total 4 pts, PMID: 16505055, PP4). The variant has been reported to segregate with childhood-onset severe retinal dystrophy through the proband plus 1 similarly affected relative, with the variant present in the compound heterozygous state (PMID: 23035049, PP1). The computational predictor REVEL gives a score of 0.817, which is above the ClinGen LCA/eoRD VCEP threshold of ≥0.773 and predicts a damaging effect on GUCY2D function (PP3_Moderate). The splicing impact predictor SpliceAI gives scores of 0.16 for donor loss and 0.15 for acceptor loss, which are below the ClinGen LCA/eoRD VCEP recommended threshold of 0.2 and do not strongly predict an impact on splicing. The variant exhibited ~0% enzymatic activity when co-expressed with GCAP1 or GCAP2 in a guanylate cyclase assay relative to the wild-type control, which is lower than the ClinGen LCA/eoRD VCEP PS3_Supporting threshold of <10% activity, indicating that it triggers a severe defect in protein function (PMID: 23035049, PMID: 33997691). The variant when co-expressed with GCAP1 and RD3 exhibited dispersal of GCAP1 and RD3 throughout the cell rather than proper localization to the plasma membrane, indicating failure of the variant to interact with either factor (PMID: 33109612). The variant also showed reduced RD3 binding by western blot when co-immunoprecipitated by either anti-GUCY2D or anti-RD3 antibody (PMID: 25477517, PS3_Supporting). In summary, this variant meets the criteria to be classified as pathogenic for GUCY2D-related recessive retinopathy based on the ACMG/AMP criteria applied, as specified by the ClinGen LCA/eoRD VCEP: PS3_Supporting, PM2_Supporting, PM3_Strong, PP1, PP3_Moderate, and PP4. (VCEP specifications version 1.0.0; date of approval 01/22/2025).

Labcorp Genetics (formerly Invitae), Labcorp
Classification: Pathogenic for Leber congenital amaurosis 1; Cone-rod dystrophy 6. Last evaluated: 2025-12-21. Review status: criteria provided, single submitter. Criteria: Invitae Variant Classification Sherloc (09022015). Collection method: clinical testing. Allele origin: germline. Not counted in ClinVar's aggregate classification.
Comment: This sequence change replaces arginine, which is basic and polar, with tryptophan, which is neutral and slightly polar, at codon 768 of the GUCY2D protein (p.Arg768Trp). This variant is present in population databases (rs61750168, gnomAD 0.03%). This missense change has been observed in individual(s) with Leber congenital amaurosis (PMID: 16505055, 17724218, 23035049, 26253563, 26626312). In at least one individual the data is consistent with being in trans (on the opposite chromosome) from a pathogenic variant. ClinVar contains an entry for this variant (Variation ID: 98563). Invitae Evidence Modeling of protein sequence and biophysical properties (such as structural, functional, and spatial information, amino acid conservation, physicochemical variation, residue mobility, and thermodynamic stability) indicates that this missense variant is expected to disrupt GUCY2D protein function with a positive predictive value of 80%. Experimental studies have shown that this missense change affects GUCY2D function (PMID: 20050595, 25477517). Algorithms developed to predict the effect of sequence changes on RNA splicing suggest that this variant may disrupt the consensus splice site. For these reasons, this variant has been classified as Pathogenic.

GeneDx
Classification: Pathogenic. Last evaluated: 2025-01-04. Review status: criteria provided, single submitter. Criteria: GeneDx Variant Classification Process June 2021. Collection method: clinical testing. Allele origin: germline. Affected: yes. Not counted in ClinVar's aggregate classification.
Comment: Observed with an additional variant in the GUCY2D gene in patients with Leber congenital amaurosis in published literature, although it is not known whether the variants occurred on the same (in cis) or on different (in trans) chromosomes in some cases (Yzer et al., 2006; Coppieters et al., 2012; Astuti et al., 2016; Thompson et al., 2017); Published functional studies demonstrate a damaging effect with reduction in GUCY2D enzyme activation in the presence of GCAP1, diminished binding to GCAP1, and altered GCAP1 co-localization (Peshenko et al., 2010); In silico analysis supports that this missense variant has a deleterious effect on protein structure/function; This variant is associated with the following publications: (PMID: 26253563, 18632300, 21602930, 20683928, 23035049, 25477517, 26626312, 31429209, 10766140, 16505055, 29178642, 29559409, 16272259, 34426522, 31589614, 31964843, 37734845, 20050595, 22261762, 31816670, 32865313, 34008892, 35314386, 36369640, 37327959, 37510321, 34048777, 35836572, 36460718, 33109612)

Lab De Baere, Eye and Developmental Genetics Lab, Ghent University
Classification: Pathogenic for Leber congenital amaurosis. Last evaluated: 2024-10-01. Review status: criteria provided, single submitter. Criteria: ACMG Guidelines, 2015. Collection method: research. Allele origin: inherited. Affected: yes. Observed: 1 variant allele. Not counted in ClinVar's aggregate classification.
Comment: ACMG/AMP guidelines: PM2, PP4_PP, PM5_PM, PS3_PP, PM3_PVS

Blueprint Genetics
Classification: Pathogenic for GUCY2D-related disorders. Last evaluated: 2024-09-13. Review status: criteria provided, single submitter. Criteria: ACMG Guidelines, 2015. Collection method: clinical testing. Allele origin: germline. Affected: yes. Observed: 5 variant alleles. Not counted in ClinVar's aggregate classification.

Fulgent Genetics
Classification: Pathogenic for Leber congenital amaurosis 1; Choroidal dystrophy, central areolar, 1; Cone-rod dystrophy 6; Night blindness, congenital stationary, type1i. Last evaluated: 2024-05-03. Review status: criteria provided, single submitter. Criteria: ACMG Guidelines, 2015. Collection method: clinical testing. Allele origin: germline. Not counted in ClinVar's aggregate classification.

Institute of Human Genetics, University of Leipzig Medical Center
Classification: Pathogenic for Leber congenital amaurosis 1. Last evaluated: 2023-03-02. Review status: criteria provided, single submitter. Criteria: ACMG Guidelines, 2015. Collection method: clinical testing. Allele origin: unknown. Affected: yes. Not counted in ClinVar's aggregate classification.
Comment: _x000D_ Criteria applied: PM3_STR, PS3_MOD, PM5, PM2_SUP, PP3

NM_000180.4(GUCY2D):c.2302C>T (p.Arg768Trp)

Gene: GUCY2D (guanylate cyclase 2D, retinal; plus strand). Cytogenetic location: 17p13.1.
Variant type: single nucleotide variant.
Coding change: c.2302C>T on transcript NM_000180.4 (MANE Select); coding-DNA position 2302, C replaced by T.
Protein change: p.Arg768Trp; replaces arginine 768 with tryptophan.
Molecular consequence: missense variant.
Genome position (GRCh38, 1-based): chr17:8,013,918, C>T. VCF-style: chr17-8013918-C-T. GRCh37 (hg19) VCF-style: chr17-7917236-C-T.
Other names: NM_000180.4(GUCY2D):c.2302C>T; short protein forms R768W.
Identifiers: ClinVar variation 98563 (VCV000098563.69), dbSNP rs61750168, ClinGen allele CA226075.